The following is an entry in ClinVar:

NM_004525.3(LRP2):c.8872G>T (p.Asp2958Tyr)

Gene: LRP2 (LDL receptor related protein 2; minus strand). Cytogenetic location: 2q31.1.
Variant type: single nucleotide variant.
Coding change: c.8872G>T on transcript NM_004525.3 (MANE Select); coding-DNA position 8872, G replaced by T.
Protein change: p.Asp2958Tyr; replaces aspartic acid 2958 with tyrosine.
Molecular consequence: missense variant.
Genome position (GRCh38, 1-based): chr2:169,191,992, C>A on the plus strand (G>T on the coding strand, the complement: LRP2 is on the minus strand). VCF-style: chr2-169191992-C-A. GRCh37 (hg19) VCF-style: chr2-170048502-C-A.
Other names: short protein forms D2958Y.
Identifiers: ClinVar variation 1032221 (VCV001032221.11), dbSNP rs1303301378, ClinGen allele CA349159534.
Genomic context (GRCh38, chr2:169,191,992, plus strand): 5'-AATCCACATCGCCATCACAGACCCAAGACTGGGGAATGCACCTCCTGTCCGGAGGTCTGT[C>A]ATTTACACAGAGAAACTCGGAATCCGAGCAGTTTTGATTCTCTGAAACCAAAGCACGCAA-3'
Protein context (NP_004516.2, residues 2948-2968): CSDSEFLCVN[Asp2958Tyr]RPPDRRCIPQ

ClinVar aggregate classification (germline): Uncertain significance. Review status: criteria provided, multiple submitters, no conflicts (2 of 4 stars). 6 submissions from 6 submitters: Uncertain significance (6). Last evaluated 2025-06-22.

Conditions:
Inborn genetic diseases. Identifiers: MedGen C0950123, MeSH D030342.
Donnai-Barrow syndrome. Also called: FACIOOCULOACOUSTICORENAL SYNDROME; DBS/FOAR SYNDROME. Identifiers: Orphanet 2143, MedGen C1857277, MONDO:0009104, OMIM 222448.

Allele frequency attached by ClinVar (database versions not stated): gnomAD exomes 0.00001 and 0.00002; TOPMed 0.00001.
gnomAD v4.1: 7 of 1,613,882 alleles (0.00043%); highest among the groups gnomAD compares: Admixed American, 0.012%; no homozygotes.

Submissions (6):

Ambry Genetics
Classification: Uncertain significance for Inborn genetic diseases. Last evaluated: 2025-06-22. Review status: criteria provided, single submitter. Criteria: Ambry Variant Classification Scheme 2023. Collection method: clinical testing. Allele origin: germline.

Fulgent Genetics
Classification: Uncertain significance for Donnai-Barrow syndrome. Last evaluated: 2022-05-11. Review status: criteria provided, single submitter. Criteria: ACMG Guidelines, 2015. Collection method: clinical testing. Allele origin: unknown.

Revvity Omics, Revvity
Classification: Uncertain significance for Donnai-Barrow syndrome. Last evaluated: 2022-04-19. Review status: criteria provided, single submitter. Criteria: ACMG Guidelines, 2015. Collection method: clinical testing. Allele origin: germline.

Labcorp Genetics (formerly Invitae), Labcorp
Classification: Uncertain significance. Last evaluated: 2022-02-03. Review status: criteria provided, single submitter. Criteria: Invitae Variant Classification Sherloc (09022015). Collection method: clinical testing. Allele origin: germline.
Comment: This sequence change replaces aspartic acid, which is acidic and polar, with tyrosine, which is neutral and polar, at codon 2958 of the LRP2 protein (p.Asp2958Tyr). This variant is present in population databases (no rsID available, gnomAD 0.02%). This variant has not been reported in the literature in individuals affected with LRP2-related conditions. ClinVar contains an entry for this variant (Variation ID: 1032221). Advanced modeling of protein sequence and biophysical properties (such as structural, functional, and spatial information, amino acid conservation, physicochemical variation, residue mobility, and thermodynamic stability) performed at Invitae indicates that this missense variant is not expected to disrupt LRP2 protein function. In summary, the available evidence is currently insufficient to determine the role of this variant in disease. Therefore, it has been classified as a Variant of Uncertain Significance.

Genome-Nilou Lab
Classification: Uncertain significance for Donnai-Barrow syndrome. Last evaluated: 2021-07-15. Review status: criteria provided, single submitter. Criteria: ACMG Guidelines, 2015. Collection method: clinical testing. Allele origin: germline. Affected: no.

Baylor Genetics
Classification: Uncertain significance for Donnai-Barrow syndrome. Last evaluated: 2018-06-22. Review status: criteria provided, single submitter. Criteria: ACMG Guidelines, 2015. Collection method: clinical testing. Allele origin: paternal. Affected: yes.
Comment: This variant was determined to be of uncertain significance according to ACMG Guidelines, 2015 [PMID:25741868].